The following is an entry in ClinVar:

NM_000632.4(ITGAM):c.3347del (p.Gly1116fs)

Gene: ITGAM (integrin subunit alpha M; plus strand). Cytogenetic location: 16p11.2.
Variant type: Deletion.
Coding change: c.3347del on transcript NM_000632.4 (MANE Select); coding-DNA position 3347, one base deleted (G; older notation c.3347delG).
Protein change: p.Gly1116fs; shifts the reading frame from glycine 1116.
Molecular consequence: frameshift variant.
Genome position (GRCh38, 1-based): chr16:31,331,235, G deleted; the last of 5 consecutive G bases (chr16:31,331,231-31,331,235); deleting any one gives the same sequence. VCF-style (leftmost placement, unchanged base first): chr16-31331230-CG-C. GRCh37 (hg19) VCF-style: chr16-31342551-CG-C.
Other names: c.3350del, p.Gly1117fs (NM_001145808.2); short protein forms G1116fs, G1117fs.
Identifiers: ClinVar variation 3727782 (VCV003727782.2).
Genomic context (GRCh38, chr16:31,331,230, plus strand): 5'-GACCAAAGTGGAGCCGTTCGAGGTCCCCAACCCCCTGCCGCTCATCGTGGGCAGCTCTGT[CG>C]GGGGACTGCTGCTCCTGGCCCTCATCACCGCCGCGCTGTACAAGGTGCTCCCCGCTGCTC-3'

ClinVar aggregate classification (germline): Uncertain significance (1 of 4 stars; one submission).

Submission:

Labcorp Genetics (formerly Invitae), Labcorp
Classification: Uncertain significance. Last evaluated: 2024-12-30. Review status: criteria provided, single submitter. Criteria: Invitae Variant Classification Sherloc (09022015). Collection method: clinical testing. Allele origin: germline.
Comment: This sequence change creates a premature translational stop signal (p.Gly1116Aspfs*25) in the ITGAM gene. While this is not anticipated to result in nonsense mediated decay, it is expected to disrupt the last 37 amino acid(s) of the ITGAM protein. This variant is not present in population databases (gnomAD no frequency). This variant has not been reported in the literature in individuals affected with ITGAM-related conditions. In summary, the available evidence is currently insufficient to determine the role of this variant in disease. Therefore, it has been classified as a Variant of Uncertain Significance.